The following is an entry in ClinVar:

ClinVar aggregate classification (germline): Uncertain significance (1 of 4 stars; one submission).

Conditions:
Inborn genetic diseases. Identifiers: MedGen C0950123, MeSH D030342.

Submission:

Ambry Genetics
Classification: Uncertain significance for Inborn genetic diseases. Last evaluated: 2026-02-24. Review status: criteria provided, single submitter. Criteria: Ambry Variant Classification Scheme 2023. Collection method: clinical testing. Allele origin: germline.
Comment: The p.P70S variant (also known as c.208C>T), located in coding exon 1 of the KDM1A gene, results from a C to T substitution at nucleotide position 208. The proline at codon 70 is replaced by serine, an amino acid with similar properties. This amino acid position is conserved. In addition, this alteration is predicted to be tolerated by in silico analysis. Based on the available evidence, the clinical significance of this variant remains unclear.

NM_001009999.3(KDM1A):c.208C>T (p.Pro70Ser)

Gene: KDM1A (lysine demethylase 1A; plus strand). Cytogenetic location: 1p36.12.
Variant type: single nucleotide variant.
Coding change: c.208C>T on transcript NM_001009999.3 (MANE Select); coding-DNA position 208, C replaced by T.
Protein change: p.Pro70Ser; replaces proline 70 with serine.
Molecular consequence: missense variant.
Genome position (GRCh38, 1-based): chr1:23,019,804, C>T. VCF-style: chr1-23019804-C-T. GRCh37 (hg19) VCF-style: chr1-23346297-C-T.
Other names: c.208C>T, p.Pro70Ser (NM_001363654.2, NM_001410762.1, NM_001410763.1 and 1 more transcripts); short protein forms P70S.
Identifiers: ClinVar variation 4826109 (VCV004826109.1).
Genomic context (GRCh38, chr1:23,019,804, plus strand): 5'-GTCGGGCCGGGGGCGGTGGGGGAGCGCACACCCCGCAAGAAAGAGCCTCCGCGGGCCTCG[C>T]CCCCCGGGGGCCTGGCGGAACCGCCGGGGTCCGCAGGGCCTCAGGCCGGCCCTACTGTCG-3'
Protein context (NP_001009999.1, residues 60-80): PRKKEPPRAS[Pro70Ser]PGGLAEPPGS